The following is an entry in ClinVar:

NM_001267550.2(TTN):c.100367_100368insT (p.Leu33457fs)

Genes: TTN (titin; minus strand), TTN-AS1 (TTN antisense RNA 1; plus strand), LOC126806420 (BRD4-independent group 4 enhancer GRCh37_chr2:179401104-179402303; plus strand). Cytogenetic location: 2q31.2.
Variant type: Insertion.
Coding change: c.100367_100368insT on transcript NM_001267550.2 (MANE Select); coding-DNA positions 100367 to 100368, T inserted.
Protein change: p.Leu33457fs; shifts the reading frame from leucine 33457.
Molecular consequence: frameshift variant.
Genome position: GRCh38 VCF-style: chr2-178536379-G-GA. GRCh37 (hg19) VCF-style: chr2-179401106-G-GA.
Other names: c.95444_95445insT, p.Leu31816fs (NM_001256850.1); c.73172_73173insT, p.Leu24392fs (NM_003319.4); c.92663_92664insT, p.Leu30889fs (NM_133378.4); c.73547_73548insT, p.Leu24517fs (NM_133432.3); c.73748_73749insT, p.Leu24584fs (NM_133437.4); short protein forms L24584fs, L24392fs, L30889fs, L24517fs, L31816fs, L33457fs.
Identifiers: ClinVar variation 1521651 (VCV001521651.6), dbSNP rs2154137420, ClinGen allele CA2573134072.

ClinVar aggregate classification (germline): Likely pathogenic (1 of 4 stars; one submission).

Conditions:
Dilated cardiomyopathy 1G (CMD1G). Identifiers: Orphanet 154, MedGen C1858763, MONDO:0011400, OMIM 604145.
Autosomal recessive limb-girdle muscular dystrophy type 2J (LGMDR10). Also called: Limb-girdle muscular dystrophy, type 2J; MUSCULAR DYSTROPHY, LIMB-GIRDLE, AUTOSOMAL RECESSIVE 10. Identifiers: Orphanet 140922, MedGen C1837342, MONDO:0012127, OMIM 608807.

Submission:

Labcorp Genetics (formerly Invitae), Labcorp
Classification: Likely pathogenic for Dilated cardiomyopathy 1G; Autosomal recessive limb-girdle muscular dystrophy type 2J. Last evaluated: 2021-07-31. Review status: criteria provided, single submitter. Criteria: Invitae Variant Classification Sherloc (09022015). Collection method: clinical testing. Allele origin: germline.
Comment: This sequence change creates a premature translational stop signal (p.Leu33457Profs*3) in the TTN gene. While this is not anticipated to result in nonsense mediated decay, it is expected to create a truncated TTN protein. This variant is not present in population databases (ExAC no frequency). This variant has not been reported in the literature in individuals affected with TTN-related conditions. This variant is located in the A band of TTN (PMID: 25589632). Truncating variants in this region are significantly overrepresented in patients affected with dilated cardiomyopathy (PMID: 25589632). Truncating variants in this region have also been reported in individuals affected with autosomal recessive centronuclear myopathy (PMID: 23975875). In summary, the currently available evidence indicates that the variant is pathogenic, but additional data are needed to prove that conclusively. Therefore, this variant has been classified as Likely Pathogenic.

Literature cited by the submitters: PubMed 25589632; PubMed 23975875.